The following is an entry in ClinVar:

NM_002661.5(PLCG2):c.1780G>T (p.Gly594Cys)

Gene: PLCG2 (phospholipase C gamma 2; plus strand). Cytogenetic location: 16q23.3.
Variant type: single nucleotide variant.
Coding change: c.1780G>T on transcript NM_002661.5 (MANE Select); coding-DNA position 1780, G replaced by T.
Protein change: p.Gly594Cys; replaces glycine 594 with cysteine.
Molecular consequence: missense variant.
Genome position (GRCh38, 1-based): chr16:81,910,566, G>T. VCF-style: chr16-81910566-G-T. GRCh37 (hg19) VCF-style: chr16-81944171-G-T.
Other names: short protein forms G594C.
Identifiers: ClinVar variation 1494454 (VCV001494454.6), dbSNP rs759783310, ClinGen allele CA396900866.
Genomic context (GRCh38, chr16:81,910,566, plus strand): 5'-TCCTCTCCCCGCAGGCGGTCAGGCCGGGTCCAGCACTGCCGGATCCGCTCCACCATGGAG[G>T]GCGGGACCCTGAAATACTACTTGACTGACAACCTCACCTTCAGCAGCATCTATGCCCTCA-3'
Protein context (NP_002652.2, residues 584-604): QHCRIRSTME[Gly594Cys]GTLKYYLTDN

ClinVar aggregate classification (germline): Uncertain significance (1 of 4 stars; one submission).

Conditions:
Familial cold autoinflammatory syndrome 3 (FCAS3). Also called: ANTIBODY DEFICIENCY AND IMMUNE DYSREGULATION, PLCG2-ASSOCIATED; FAMILIAL ATYPICAL COLD URTICARIA. Identifiers: Orphanet 300359, MedGen C3280914, MONDO:0013766, OMIM 614468.

Allele frequency attached by ClinVar (database versions not stated): TOPMed below 0.00001.

Submission:

Labcorp Genetics (formerly Invitae), Labcorp
Classification: Uncertain significance for Familial cold autoinflammatory syndrome 3. Last evaluated: 2025-07-20. Review status: criteria provided, single submitter. Criteria: Invitae Variant Classification Sherloc (09022015). Collection method: clinical testing. Allele origin: germline.
Comment: This sequence change replaces glycine, which is neutral and non-polar, with cysteine, which is neutral and slightly polar, at codon 594 of the PLCG2 protein (p.Gly594Cys). This variant is not present in population databases (gnomAD no frequency). This variant has not been reported in the literature in individuals affected with PLCG2-related conditions. ClinVar contains an entry for this variant (Variation ID: 1494454). An algorithm developed to predict the effect of missense changes on protein structure and function (PolyPhen-2) suggests that this variant is likely to be disruptive. In summary, the available evidence is currently insufficient to determine the role of this variant in disease. Therefore, it has been classified as a Variant of Uncertain Significance.